The following is an entry in ClinVar:

ClinVar aggregate classification (germline): Uncertain significance (1 of 4 stars; one submission).

Submission:

Labcorp Genetics (formerly Invitae), Labcorp
Classification: Uncertain significance. Last evaluated: 2024-04-23. Review status: criteria provided, single submitter. Criteria: Invitae Variant Classification Sherloc (09022015). Collection method: clinical testing. Allele origin: germline.
Comment: This sequence change falls in intron 3 of the ANKZF1 gene. It does not directly change the encoded amino acid sequence of the ANKZF1 protein. It affects a nucleotide within the consensus splice site. This variant is not present in population databases (gnomAD no frequency). This variant has not been reported in the literature in individuals affected with ANKZF1-related conditions. Variants that disrupt the consensus splice site are a relatively common cause of aberrant splicing (PMID: 17576681, 9536098). Algorithms developed to predict the effect of sequence changes on RNA splicing suggest that this variant may disrupt the consensus splice site. In summary, the available evidence is currently insufficient to determine the role of this variant in disease. Therefore, it has been classified as a Variant of Uncertain Significance.

Literature cited by the submitters: PubMed 17576681; PubMed 9536098.

NM_018089.3(ANKZF1):c.261+4A>G

Gene: ANKZF1 (ankyrin repeat and zinc finger peptidyl tRNA hydrolase 1; plus strand). Cytogenetic location: 2q35.
Variant type: single nucleotide variant.
Coding change: c.261+4A>G on transcript NM_018089.3 (MANE Select); 4 bases into the intron after coding-DNA position 261, A replaced by G.
Molecular consequence: intron variant.
Genome position (GRCh38, 1-based): chr2:219,232,044, A>G. VCF-style: chr2-219232044-A-G. GRCh37 (hg19) VCF-style: chr2-220096766-A-G.
Other names: c.261+4A>G (NM_001042410.2); c.-266-446A>G (NM_001282792.2).
Identifiers: ClinVar variation 2782764 (VCV002782764.3), dbSNP rs2544911633, ClinGen allele CA645522606.